The following is an entry in ClinVar:

ClinVar aggregate classification (germline): Uncertain significance. Review status: criteria provided, multiple submitters, no conflicts (2 of 4 stars). 2 submissions from 2 submitters: Uncertain significance (2). Last evaluated 2025-06-12.

Conditions:
Haddad syndrome (OHD). Also called: Ondine-Hirschsprung disease. Identifiers: Orphanet 99803, MedGen C1859049, MONDO:0020493.
Hereditary cancer-predisposing syndrome. Also called: Neoplastic Syndromes, Hereditary; Tumor predisposition; Hereditary neoplastic syndrome; Hereditary Cancer Syndrome. Identifiers: Orphanet 140162, MedGen C0027672, MeSH D009386, MONDO:0015356.

Allele frequency attached by ClinVar (database versions not stated): gnomAD exomes below 0.00001; ExAC 0.00001.
gnomAD v4.1: 1 of 1,613,704 alleles (0.000062%); highest among the groups gnomAD compares: Non-Finnish European, 0.000085%; no homozygotes.

Submissions (2):

Ambry Genetics
Classification: Uncertain significance for Hereditary cancer-predisposing syndrome. Last evaluated: 2025-06-12. Review status: criteria provided, single submitter. Criteria: Ambry Variant Classification Scheme 2023. Collection method: clinical testing. Allele origin: germline.
Comment: The p.M21L variant (also known as c.61A>C), located in coding exon 1 of the PHOX2B gene, results from an A to C substitution at nucleotide position 61. The methionine at codon 21 is replaced by leucine, an amino acid with highly similar properties. This amino acid position is conserved. In addition, the in silico prediction for this alteration is inconclusive. Based on the available evidence, the clinical significance of this variant remains unclear.

Labcorp Genetics (formerly Invitae), Labcorp
Classification: Uncertain significance for Haddad syndrome. Last evaluated: 2021-12-08. Review status: criteria provided, single submitter. Criteria: Invitae Variant Classification Sherloc (09022015). Collection method: clinical testing. Allele origin: germline.
Comment: This sequence change replaces methionine, which is neutral and non-polar, with leucine, which is neutral and non-polar, at codon 21 of the PHOX2B protein (p.Met21Leu). In summary, the available evidence is currently insufficient to determine the role of this variant in disease. Therefore, it has been classified as a Variant of Uncertain Significance. Algorithms developed to predict the effect of missense changes on protein structure and function are either unavailable or do not agree on the potential impact of this missense change (SIFT: "Deleterious"; PolyPhen-2: "Benign"; Align-GVGD: "Class C0"). ClinVar contains an entry for this variant (Variation ID: 643213). This variant has not been reported in the literature in individuals affected with PHOX2B-related conditions. This variant is present in population databases (rs780786684, gnomAD 0.0009%).

NM_003924.4(PHOX2B):c.61A>C (p.Met21Leu)

Genes: PHOX2B (paired like homeobox 2B; minus strand), PHOX2B-AS1 (PHOX2B antisense RNA 1; plus strand). Cytogenetic location: 4p13.
Variant type: single nucleotide variant.
Coding change: c.61A>C on transcript NM_003924.4 (MANE Select); coding-DNA position 61, A replaced by C.
Protein change: p.Met21Leu; replaces methionine 21 with leucine.
Molecular consequence: missense variant.
Genome position (GRCh38, 1-based): chr4:41,748,550, T>G on the plus strand (A>C on the coding strand, the complement: PHOX2B is on the minus strand). VCF-style: chr4-41748550-T-G. GRCh37 (hg19) VCF-style: chr4-41750567-T-G.
Other names: short protein forms M21L.
Identifiers: ClinVar variation 643213 (VCV000643213.9), dbSNP rs780786684, ClinGen allele CA2901612.